The following is an entry in ClinVar:

ClinVar aggregate classification (germline): Uncertain significance (1 of 4 stars; one submission).

Conditions:
SEMA3G-related disorder. Also called: SEMA3G-related condition.

gnomAD v4.1: 3 of 1,613,116 alleles (0.00019%); highest among the groups gnomAD compares: Admixed American, 0.005%; no homozygotes.

Submission:

PreventionGenetics, part of Exact Sciences
Classification: Uncertain significance for SEMA3G-related condition. Last evaluated: 2025-03-24. Review status: criteria provided, single submitter. Criteria: ACMG Guidelines, 2015. Collection method: clinical testing. Allele origin: germline.
Comment: The SEMA3G c.970G>C variant is predicted to result in the amino acid substitution p.Glu324Gln. To our knowledge, this variant has not been reported in the literature. This variant is reported in 0.0058% of alleles in individuals of Latino descent in gnomAD. At this time, the clinical significance of this variant is uncertain due to the absence of conclusive functional and genetic evidence.

NM_020163.3(SEMA3G):c.970G>C (p.Glu324Gln)

Gene: SEMA3G (semaphorin 3G; minus strand). Cytogenetic location: 3p21.1.
Variant type: single nucleotide variant.
Coding change: c.970G>C on transcript NM_020163.3 (MANE Select); coding-DNA position 970, G replaced by C.
Protein change: p.Glu324Gln; replaces glutamic acid 324 with glutamine.
Molecular consequence: missense variant.
Genome position (GRCh38, 1-based): chr3:52,440,782, C>G on the plus strand (G>C on the coding strand, the complement: SEMA3G is on the minus strand). VCF-style: chr3-52440782-C-G. GRCh37 (hg19) VCF-style: chr3-52474798-C-G.
Other names: short protein forms E324Q.
Identifiers: ClinVar variation 2629573 (VCV002629573.2), dbSNP rs754448884, ClinGen allele CA2438119.